The following is an entry in ClinVar:

ClinVar aggregate classification (germline): Pathogenic (1 of 4 stars; one submission).

Submission:

GeneDx
Classification: Pathogenic. Last evaluated: 2018-07-11. Review status: criteria provided, single submitter. Criteria: GeneDx Variant Classification (06012015). Collection method: clinical testing. Allele origin: germline. Affected: yes.
Comment: The de novo c.1172_1176delAAACA variant has not been published as a pathogenic variant, nor has it been reported as a benign variant to our knowledge. The c.1172_1176delAAACA variant is not observed in large population cohorts (Lek et al., 2016). The c.1172_1176delAAACA variant causes a frameshift starting with codon Lysine 391, changes this amino acid to a Arginine residue and creates a premature Stop codon at position 7 of the new reading frame, denoted p.Lys391ArgfsX7. This variant is predicted to cause loss of normal protein function either through protein truncation or nonsense-mediated mRNA decay. We interpret c.1172_1176delAAACA as a pathogenic variant.

NM_014795.4(ZEB2):c.1172_1176del (p.Lys391fs)

Gene: ZEB2 (zinc finger E-box binding homeobox 2; minus strand). Cytogenetic location: 2q22.3.
Variant type: Deletion.
Coding change: c.1172_1176del on transcript NM_014795.4 (MANE Select); coding-DNA positions 1172 to 1176, 5 bases deleted (AAACA; older notation c.1172_1176delAAACA).
Protein change: p.Lys391fs; shifts the reading frame from lysine 391.
Molecular consequence: frameshift variant.
Genome position (GRCh38, 1-based): chr2:144,400,011-144,400,015, TGTTT deleted on the plus strand (AAACA on the coding strand, the reverse complement: ZEB2 is on the minus strand); deleting any 5 consecutive bases within chr2:144,400,011-144,400,016 gives the same sequence; the c. name uses the placement nearest the transcript's 3' end. VCF-style (leftmost placement, unchanged base first): chr2-144400010-CTGTTT-C. GRCh37 (hg19) VCF-style: chr2-145157577-CTGTTT-C.
Other names: c.1100_1104del, p.Lys367fs (NM_001171653.2); short protein forms K391fs, K367fs.
Identifiers: ClinVar variation 546530 (VCV000546530.2), dbSNP rs1553961746, ClinGen allele CA658822468.